The following is an entry in ClinVar:

ClinVar aggregate classification (germline): Pathogenic. Review status: criteria provided, multiple submitters, no conflicts (2 of 4 stars). 14 submissions from 14 submitters: Pathogenic (14). Last evaluated 2026-06-30.

Conditions:
NF1-related disorder. Also called: NF1-related condition. Identifiers: MedGen CN379171.
Neurofibromatosis, type 1 (NF1). Also called: Neurofibromatosis, type I; Peripheral type neurofibromatosis; NEUROFIBROMATOSIS, TYPE I, SOMATIC; VON RECKLINGHAUSEN DISEASE. Identifiers: Orphanet 636, MedGen C0027831, MONDO:0018975, OMIM 162200. Disease mechanism: loss of function.
Cardiovascular phenotype. Identifiers: MedGen CN230736.
Hereditary cancer-predisposing syndrome. Also called: Tumor predisposition; Neoplastic Syndromes, Hereditary; Hereditary Cancer Syndrome; Hereditary neoplastic syndrome. Identifiers: Orphanet 140162, MedGen C0027672, MeSH D009386, MONDO:0015356.
Tibial pseudarthrosis. Identifiers: MedGen C4024216, HP:0009736.
Neurofibromatosis-Noonan syndrome (NFNS). Also called: NEUROFIBROMATOSIS WITH NOONAN PHENOTYPE. Identifiers: Orphanet 638, MedGen C2931482, MONDO:0011035, OMIM 601321. Disease mechanism: loss of function.
Café-au-lait macules with pulmonary stenosis (WTSN). Also called: PULMONIC STENOSIS WITH CAFE-AU-LAIT SPOTS. Identifiers: MedGen C0553586, MONDO:0008672, OMIM 193520.
Neurofibromatosis, familial spinal (FSNF). Identifiers: Orphanet 636, MedGen C1834235, MONDO:0008078, OMIM 162210. Disease mechanism: loss of function.
Juvenile myelomonocytic leukemia (JMML). Also called: LEUKEMIA, JUVENILE MYELOMONOCYTIC, SOMATIC. Identifiers: Orphanet 86834, MedGen C0349639, MONDO:0011908, OMIM 607785, HP:0012209.

Allele frequency attached by ClinVar (database versions not stated): gnomAD exomes below 0.00001; TOPMed below 0.00001.

Submissions (14):

Myriad Genetics, Inc.
Classification: Pathogenic for Neurofibromatosis, type 1. Last evaluated: 2026-06-30. Review status: criteria provided, single submitter. Criteria: Myriad Autosomal Dominant, Autosomal Recessive and X-Linked Classification Criteria (2023). Collection method: clinical testing. Allele origin: unknown.
Comment: This variant is considered pathogenic. This variant creates a termination codon and is predicted to result in premature protein truncation.

Labcorp Genetics (formerly Invitae), Labcorp
Classification: Pathogenic for Neurofibromatosis, type 1. Last evaluated: 2025-12-10. Review status: criteria provided, single submitter. Criteria: Invitae Variant Classification Sherloc (09022015). Collection method: clinical testing. Allele origin: germline.
Comment: This sequence change creates a premature translational stop signal (p.Tyr2264*) in the NF1 gene. It is expected to result in an absent or disrupted protein product. Loss-of-function variants in NF1 are known to be pathogenic (PMID: 10712197, 23913538). This variant is not present in population databases (gnomAD no frequency). This premature translational stop signal has been observed in individuals with neurofibromatosis type 1 (PMID: 8837715, 16941471, 17311297, 23913538, 24232412, 25325900, 27838393). Invitae Evidence Modeling of clinical and family history, age, sex, and reported ancestry of multiple individuals with this NF1 variant has been performed. This variant is expected to be pathogenic with a positive predictive value of at least 99%. This is a validated machine learning model that incorporates the clinical features of 1,785,918 individuals referred to our laboratory for NF1 testing. This variant is also known as p.Tyr2285*. ClinVar contains an entry for this variant (Variation ID: 228382). For these reasons, this variant has been classified as Pathogenic.

Ambry Genetics
Classification: Pathogenic for Cardiovascular phenotype; Hereditary cancer-predisposing syndrome. Last evaluated: 2024-08-16. Review status: criteria provided, single submitter. Criteria: Ambry Variant Classification Scheme 2023. Collection method: clinical testing. Allele origin: germline.
Comment: The c.6791dupA pathogenic mutation, located in coding exon 45 of the NF1 gene, results from a duplication of A at nucleotide position 6791, causing a translational frameshift with a predicted alternate stop codon (p.Y2264*). This alteration has been reported in multiple unrelated individuals with neurofibromatosis type 1 (Upadhyaya M et al. Am J Med Genet, 1996 Jul;67:421-3; Pros E et al. Hum Mutat, 2006 Nov;27:1104-14; Pros E et al. Hum Mutat, 2008 Sep;29:E173-93; Mao B et al. BMC Med Genet, 2018 06;19:101; Melloni G et al. Cancers (Basel), 2019 Nov;11; Zhu G et al. Orphanet J Rare Dis, 2019 Sep;14:221; Giugliano T et al. Genes (Basel), 2019 Jul;10:). This variant is considered to be rare based on population cohorts in the Genome Aggregation Database (gnomAD). In addition to the clinical data presented in the literature, this alteration is expected to result in loss of function by premature protein truncation or nonsense-mediated mRNA decay. As such, this alteration is interpreted as a disease-causing mutation.

Clinical Genetics Laboratory, Skane University Hospital Lund
Classification: Pathogenic. Last evaluated: 2023-11-27. Review status: criteria provided, single submitter. Criteria: ACMG Guidelines, 2015. Collection method: clinical testing. Allele origin: germline. Affected: yes.

Blueprint Genetics
Classification: Pathogenic for NF1-related disorders. Last evaluated: 2023-01-02. Review status: criteria provided, single submitter. Criteria: ACMG Guidelines, 2015. Collection method: clinical testing. Allele origin: germline. Affected: yes. Observed: 1 variant allele.

GeneDx
Classification: Pathogenic. Last evaluated: 2022-05-06. Review status: criteria provided, single submitter. Criteria: GeneDx Variant Classification Process June 2021. Collection method: clinical testing. Allele origin: germline. Affected: yes.
Comment: Nonsense variant predicted to result in protein truncation or nonsense mediated decay in a gene for which loss-of-function is a known mechanism of disease; Not observed in large population cohorts (gnomAD); This variant is associated with the following publications: (PMID: 31370276, 10494088, 27322474, 27838393, 8837715, 15146469, 29566708, 29618358, 24232412, 16941471, 29914388, 30308447, 31533797, 32107864, 25325900, 31776437)

Genome-Nilou Lab
Classification: Pathogenic for Neurofibromatosis, type 1. Last evaluated: 2022-03-15. Review status: criteria provided, single submitter. Criteria: ACMG Guidelines, 2015. Collection method: clinical testing. Allele origin: germline. Affected: no.

MGZ Medical Genetics Center
Classification: Pathogenic for Neurofibromatosis, type 1. Last evaluated: 2021-09-28. Review status: criteria provided, single submitter. Criteria: ACMG Guidelines, 2015. Collection method: clinical testing. Allele origin: germline. Affected: yes. Observed: 1 variant allele.
Comment: ACMG criteria applied: PVS1, PS4, PM2_SUP, PP4

ARUP Laboratories, Molecular Genetics and Genomics, ARUP Laboratories
Classification: Pathogenic. Last evaluated: 2021-01-08. Review status: criteria provided, single submitter. Criteria: ARUP Molecular Germline Variant Investigation Process 2021. Collection method: clinical testing. Allele origin: germline.
Comment: The NF1 c.6854dupA;p.Tyr2285Ter variant (also known as c.6791dupA;p.Tyr2264Ter) is published in the medical literature in several individuals with a clinical diagnosis of neurofibromatosis type 1 (De Luca 2004, Maruoka 2014, Upadhyaya 1996). The variant is listed in the ClinVar database (Variation ID: 228382), but not in the dbSNP variant database or in the general population-based databases (Exome Variant Server, Genome Aggregation Database). This variant introduces a premature termination codon and is predicted to result in a truncated protein or mRNA subject to non-sense mediated decay. Considering available information, this variant is classified as pathogenic. References: De Luca A et al. Novel and recurrent mutations in the NF1 gene in Italian patients with neurofibromatosis type 1. Hum Mutat. 2004 Jun;23(6):629. Maruoka R et al. The use of next-generation sequencing in molecular diagnosis of neurofibromatosis type 1: a validation study. Genet Test Mol Biomarkers. 2014 Nov;18(11):722-35. Upadhyaya M et al. Characterization of six mutations in exon 37 of neurofibromatosis type 1 gene. Am J Med Genet. 1996 Jul 26;67(4):421-3.

Institute of Human Genetics, University of Leipzig Medical Center
Classification: Pathogenic for Neurofibromatosis, type 1. Last evaluated: 2020-11-13. Review status: criteria provided, single submitter. Criteria: ACMG Guidelines, 2015. Collection method: clinical testing. Allele origin: unknown. Affected: yes.

Genome Diagnostics Laboratory, The Hospital for Sick Children
Classification: Pathogenic for Neurofibromatosis, type 1. Last evaluated: 2020-10-26. Review status: criteria provided, single submitter. Criteria: ACMG Guidelines, 2015. Collection method: clinical testing. Allele origin: germline. Affected: yes.

The Laboratory of Genetics and Metabolism, Hunan Children’s Hospital
Classification: Pathogenic for Neurofibromatosis, type 1; Tibial pseudoarthrosis. Last evaluated: 2018-11-10. Review status: criteria provided, single submitter. Criteria: ACMG Guidelines, 2015. Collection method: research. Allele origin: paternal. Affected: yes. Observed: 1 variant allele.

Laboratory for Molecular Medicine, Mass General Brigham Personalized Medicine
Classification: Pathogenic for Neurofibromatosis, type 1. Last evaluated: 2016-03-28. Review status: criteria provided, single submitter. Criteria: LMM Criteria. Collection method: clinical testing. Allele origin: germline. Inheritance: Autosomal dominant inheritance. Observed: 1 variant allele.
Comment: The p.Tyr2285X variant in NF1 has been reported in >10 individuals with Neurofib romatosis I (NF1) (Upadhyaya 1996, Leiden Open Variation Database), 3 of which w ere apparently de novo. It was absent from large population studies, though the ability of these studies to accurately detect indels may be limited. This nonsen se variant leads to a premature termination codon at position 2285, which is pre dicted to lead to a truncated or absent protein. Heterozygous loss-of-function o f the NF1 gene is an established disease mechanism in NF1. In summary, this vari ant meets our criteria to be classified as pathogenic for NF1 in an autosomal do minant manner.

Juno Genomics, Hangzhou Juno Genomics, Inc
Classification: Pathogenic for Neurofibromatosis, type 1; Juvenile myelomonocytic leukemia; Neurofibromatosis, familial spinal; Neurofibromatosis-Noonan syndrome; Café-au-lait macules with pulmonary stenosis. Review status: criteria provided, single submitter. Criteria: ACMG Guidelines, 2015. Collection method: clinical testing. Allele origin: germline. Affected: yes.
Comment: Absent from controls (or at extremely low frequency if recessive) in Genome Aggregation Database, Exome Sequencing Project, 1000 Genomes Project, or Exome Aggregation Consortium.;Null variant in a gene where loss of function (LOF) is a known mechanism of disease.;The prevalence of the variant in affected individuals is significantly increased compared to the prevalence in controls.;Patient's phenotype or family history is highly specific for a disease with a single genetic etiology.

Literature cited by the submitters: PubMed 10712197 (cited by Labcorp Genetics (formerly Invitae), Labcorp); PubMed 23913538 (cited by Labcorp Genetics (formerly Invitae), Labcorp); PubMed 8837715 (cited by 3 submitters); PubMed 16941471 (cited by Labcorp Genetics (formerly Invitae), Labcorp); PubMed 17311297 (cited by Labcorp Genetics (formerly Invitae), Labcorp); PubMed 24232412 (cited by Labcorp Genetics (formerly Invitae), Labcorp); PubMed 25325900 (cited by Labcorp Genetics (formerly Invitae), Labcorp); PubMed 27838393 (cited by Labcorp Genetics (formerly Invitae), Labcorp); PubMed 16937374 (cited by Ambry Genetics); PubMed 18546366 (cited by Ambry Genetics); PubMed 29914388 (cited by Ambry Genetics); PubMed 31370276 (cited by Ambry Genetics); PubMed 31533797 (cited by Ambry Genetics and The Laboratory of Genetics and Metabolism, Hunan Children’s Hospital); PubMed 31766501 (cited by Ambry Genetics).

NM_001042492.3(NF1):c.6854dup (p.Tyr2285Ter)

Gene: NF1 (neurofibromin 1; plus strand). Cytogenetic location: 17q11.2.
Variant type: Duplication.
Coding change: c.6854dup on transcript NM_001042492.3 (MANE Select); coding-DNA position 6854, one base duplicated (A; older notation c.6854dupA).
Protein change: p.Tyr2285Ter; replaces tyrosine 2285 with a stop codon.
Molecular consequence: nonsense. On other transcripts: frameshift variant (1).
Genome position (GRCh38, 1-based): chr17:31,338,738, A duplicated. VCF-style (leftmost placement, unchanged base first): chr17-31338737-T-TA. GRCh37 (hg19) VCF-style: chr17-29665755-T-TA.
Other names: NM_001042492.2:c.6854dupA; p.Tyr2285X; c.6791dupA (NM_000267.3); c.6791dup, p.Tyr2264Terfs (NM_000267.4); short protein forms Y2264*, Y2285*.
Identifiers: ClinVar variation 228382 (VCV000228382.40), dbSNP rs876657715, ClinGen allele CA10577038.